The following is an entry in ClinVar:

ClinVar aggregate classification (germline): Uncertain significance. Review status: criteria provided, multiple submitters, no conflicts (2 of 4 stars). 2 submissions from 2 submitters: Uncertain significance (2). Last evaluated 2024-11-08.

Conditions:
Developmental and epileptic encephalopathy, 53. Also called: Epileptic encephalopathy, early infantile, 53. Identifiers: MedGen C4479313, MONDO:0033362, OMIM 617389.
Early-onset Parkinson disease 20. Also called: PARKINSON DISEASE 20, AUTOSOMAL RECESSIVE EARLY-ONSET. Identifiers: Orphanet 391411, MedGen C3809824, MONDO:0014233, OMIM 615530.

Allele frequency attached by ClinVar (database versions not stated): ExAC 0.00008; ESP Exome Variant Server 0.00008; gnomAD exomes 0.00008 and 0.00020; gnomAD 0.00009; TOPMed 0.00012.
gnomAD v4.1: 306 of 1,612,980 alleles (0.019%); highest among the groups gnomAD compares: Non-Finnish European, 0.025%; no homozygotes.

Submissions (2):

Blueprint Genetics
Classification: Uncertain significance. Last evaluated: 2024-11-08. Review status: criteria provided, single submitter. Criteria: ACMG Guidelines, 2015. Collection method: clinical testing. Allele origin: germline.

Labcorp Genetics (formerly Invitae), Labcorp
Classification: Uncertain significance for Developmental and epileptic encephalopathy, 53; Early-onset Parkinson disease 20. Last evaluated: 2022-08-23. Review status: criteria provided, single submitter. Criteria: Invitae Variant Classification Sherloc (09022015). Collection method: clinical testing. Allele origin: germline.
Comment: This sequence change replaces valine, which is neutral and non-polar, with isoleucine, which is neutral and non-polar, at codon 574 of the SYNJ1 protein (p.Val574Ile). This variant is present in population databases (rs145712835, gnomAD 0.02%). This variant has not been reported in the literature in individuals affected with SYNJ1-related conditions. ClinVar contains an entry for this variant (Variation ID: 575982). Algorithms developed to predict the effect of missense changes on protein structure and function (SIFT, PolyPhen-2, Align-GVGD) all suggest that this variant is likely to be tolerated. In summary, the available evidence is currently insufficient to determine the role of this variant in disease. Therefore, it has been classified as a Variant of Uncertain Significance.

NM_203446.3(SYNJ1):c.1603G>A (p.Val535Ile)

Gene: SYNJ1 (synaptojanin 1; minus strand). Cytogenetic location: 21q22.11.
Variant type: single nucleotide variant.
Coding change: c.1603G>A on transcript NM_203446.3 (MANE Select); coding-DNA position 1603, G replaced by A.
Protein change: p.Val535Ile; replaces valine 535 with isoleucine.
Molecular consequence: missense variant.
Genome position (GRCh38, 1-based): chr21:32,673,463, C>T on the plus strand (G>A on the coding strand, the complement: SYNJ1 is on the minus strand). VCF-style: chr21-32673463-C-T. GRCh37 (hg19) VCF-style: chr21-34045773-C-T.
Other names: c.1603G>A, p.Val535Ile (NM_001160302.2); c.1588G>A, p.Val530Ile (NM_001160306.2); c.1720G>A, p.Val574Ile (NM_003895.4); short protein forms V574I, V530I, V535I.
Identifiers: ClinVar variation 575982 (VCV000575982.7), dbSNP rs145712835, ClinGen allele CA10003840.